The following is an entry in ClinVar:

NM_003072.5(SMARCA4):c.627G>T (p.Pro209=)

Gene: SMARCA4 (SWI/SNF related BAF chromatin remodeling complex subunit ATPase 4; plus strand). Cytogenetic location: 19p13.2.
Variant type: single nucleotide variant.
Coding change: c.627G>T on transcript NM_003072.5 (MANE Select); coding-DNA position 627, G replaced by T.
Protein change: p.Pro209=; no amino-acid change (proline 209 retained).
Molecular consequence: synonymous variant. On other transcripts: non-coding transcript variant (1).
Genome position (GRCh38, 1-based): chr19:10,986,460, G>T. VCF-style: chr19-10986460-G-T. GRCh37 (hg19) VCF-style: chr19-11097136-G-T.
Other names: c.627G>T, p.Pro209= (NM_001128844.3, NM_001128845.2, NM_001128846.2 and 5 more transcripts).
Identifiers: ClinVar variation 1530856 (VCV001530856.9), dbSNP rs1388204648, ClinGen allele CA505744030.

ClinVar aggregate classification (germline): Benign/Likely benign. Review status: criteria provided, multiple submitters, no conflicts (2 of 4 stars). 2 submissions from 2 submitters: Benign (1); Likely benign (1). Last evaluated 2026-07-09.

Conditions:
Rhabdoid tumor predisposition syndrome 2 (RTPS2). Identifiers: Orphanet 231108, Orphanet 69077, MedGen C2750074, MONDO:0013224, OMIM 613325.

Submissions (2):

Myriad Genetics, Inc.
Classification: Benign for Rhabdoid tumor predisposition syndrome 2. Last evaluated: 2026-07-09. Review status: criteria provided, single submitter. Criteria: Myriad Autosomal Dominant, Autosomal Recessive and X-Linked Classification Criteria (2023). Collection method: clinical testing. Allele origin: unknown.
Comment: This variant is considered benign. This variant is a silent/synonymous amino acid change and it is not expected to impact splicing.

Labcorp Genetics (formerly Invitae), Labcorp
Classification: Likely benign for Rhabdoid tumor predisposition syndrome 2. Last evaluated: 2026-02-04. Review status: criteria provided, single submitter. Criteria: Invitae Variant Classification Sherloc (09022015). Collection method: clinical testing. Allele origin: germline.